The following is an entry in ClinVar:

NM_024757.5(EHMT1):c.2347G>T (p.Ala783Ser)

Gene: EHMT1 (euchromatic histone lysine methyltransferase 1; plus strand). Cytogenetic location: 9q34.3.
Variant type: single nucleotide variant.
Coding change: c.2347G>T on transcript NM_024757.5 (MANE Select); coding-DNA position 2347, G replaced by T.
Protein change: p.Ala783Ser; replaces alanine 783 with serine.
Molecular consequence: missense variant.
Genome position (GRCh38, 1-based): chr9:137,782,362, G>T. VCF-style: chr9-137782362-G-T. GRCh37 (hg19) VCF-style: chr9-140676814-G-T.
Other names: c.2347G>T, p.Ala783Ser (NM_001145527.2); c.2254G>T, p.Ala752Ser (NM_001354259.2); c.2326G>T, p.Ala776Ser (NM_001354263.2); short protein forms A783S, A776S, A752S.
Identifiers: ClinVar variation 578827 (VCV000578827.9), dbSNP rs1564751310, ClinGen allele CA375783080.

ClinVar aggregate classification (germline): Uncertain significance (1 of 4 stars; one submission).

Conditions:
Kleefstra syndrome 1 (KLEFS1). Identifiers: Orphanet 261494, MedGen C0795833, MONDO:0027407, OMIM 610253.

Submission:

Labcorp Genetics (formerly Invitae), Labcorp
Classification: Uncertain significance for Kleefstra syndrome 1. Last evaluated: 2022-06-14. Review status: criteria provided, single submitter. Criteria: Invitae Variant Classification Sherloc (09022015). Collection method: clinical testing. Allele origin: germline.
Comment: This sequence change replaces alanine, which is neutral and non-polar, with serine, which is neutral and polar, at codon 783 of the EHMT1 protein (p.Ala783Ser). This variant is not present in population databases (gnomAD no frequency). This variant has not been reported in the literature in individuals affected with EHMT1-related conditions. ClinVar contains an entry for this variant (Variation ID: 578827). Algorithms developed to predict the effect of missense changes on protein structure and function output the following: SIFT: "Tolerated"; PolyPhen-2: "Benign"; Align-GVGD: "Class C0". The serine amino acid residue is found in multiple mammalian species, which suggests that this missense change does not adversely affect protein function. In summary, the available evidence is currently insufficient to determine the role of this variant in disease. Therefore, it has been classified as a Variant of Uncertain Significance.